The following is an entry in ClinVar:

ClinVar aggregate classification (germline): Benign/Likely benign. Review status: criteria provided, multiple submitters, no conflicts (2 of 4 stars). 3 submissions from 3 submitters: Benign (1); Likely benign (2). Last evaluated 2025-08-13.

Conditions:
Hereditary cancer-predisposing syndrome. Also called: Neoplastic Syndromes, Hereditary; Hereditary Cancer Syndrome; Tumor predisposition; Hereditary neoplastic syndrome. Identifiers: Orphanet 140162, MedGen C0027672, MeSH D009386, MONDO:0015356.
Renal cell carcinoma. Identifiers: Orphanet 217071, MedGen C0007134, MeSH D002292, MONDO:0005086, HP:0005584.
Papillary renal cell carcinoma type 1 (RCCP1). Also called: RENAL CELL CARCINOMA, PAPILLARY, 1, SOMATIC; Renal adenocarcinoma; Renal cell carcinoma 1; Renal cell carcinoma, somatic. Identifiers: Orphanet 47044, MedGen C1336839, OMIM 605074, HP:0011797.

Allele frequency attached by ClinVar (database versions not stated): gnomAD exomes below 0.00001.
gnomAD v4.1: 2 of 1,614,088 alleles (0.00012%); highest among the groups gnomAD compares: Admixed American, 0.0033%; no homozygotes.

Submissions (3):

Labcorp Genetics (formerly Invitae), Labcorp
Classification: Likely benign for Renal cell carcinoma. Last evaluated: 2025-08-13. Review status: criteria provided, single submitter. Criteria: Invitae Variant Classification Sherloc (09022015). Collection method: clinical testing. Allele origin: germline.

Myriad Genetics, Inc.
Classification: Benign for Papillary renal cell carcinoma type 1. Last evaluated: 2024-11-07. Review status: criteria provided, single submitter. Criteria: Myriad Autosomal Dominant, Autosomal Recessive and X-Linked Classification Criteria (2023). Collection method: clinical testing. Allele origin: unknown.
Comment: This variant is considered benign. This variant is a silent/synonymous amino acid change and it is not expected to impact splicing.

Ambry Genetics
Classification: Likely benign for Hereditary cancer-predisposing syndrome. Last evaluated: 2022-09-20. Review status: criteria provided, single submitter. Criteria: Ambry Variant Classification Scheme 2023. Collection method: clinical testing. Allele origin: germline.

NM_000245.4(MET):c.1449C>T (p.Ser483=)

Gene: MET (MET proto-oncogene, receptor tyrosine kinase; plus strand). Cytogenetic location: 7q31.2.
Variant type: single nucleotide variant.
Coding change: c.1449C>T on transcript NM_000245.4 (MANE Select); coding-DNA position 1449, C replaced by T.
Protein change: p.Ser483=; no amino-acid change (serine 483 retained).
Molecular consequence: synonymous variant.
Genome position (GRCh38, 1-based): chr7:116,740,006, C>T. VCF-style: chr7-116740006-C-T. GRCh37 (hg19) VCF-style: chr7-116380060-C-T.
Other names: c.1449C>T, p.Ser483= (NM_001127500.3, NM_001324401.3); c.159C>T, p.Ser53= (NM_001324402.2).
Identifiers: ClinVar variation 772557 (VCV000772557.11), dbSNP rs1458827441, ClinGen allele CA457215343.